The following is an entry in ClinVar:

NM_000384.3(APOB):c.659C>A (p.Thr220Lys)

Gene: APOB (apolipoprotein B; minus strand). Cytogenetic location: 2p24.1.
Variant type: single nucleotide variant.
Coding change: c.659C>A on transcript NM_000384.3 (MANE Select); coding-DNA position 659, C replaced by A.
Protein change: p.Thr220Lys; replaces threonine 220 with lysine.
Molecular consequence: missense variant.
Genome position (GRCh38, 1-based): chr2:21,037,134, G>T on the plus strand (C>A on the coding strand, the complement: APOB is on the minus strand). VCF-style: chr2-21037134-G-T. GRCh37 (hg19) VCF-style: chr2-21260006-G-T.
Other names: short protein forms T220K.
Identifiers: ClinVar variation 3933251 (VCV003933251.1).

ClinVar aggregate classification (germline): Uncertain significance (1 of 4 stars; one submission).

Conditions:
Cardiovascular phenotype. Identifiers: MedGen CN230736.

gnomAD v4.1: 1 of 1,614,244 alleles (0.000062%); highest among the groups gnomAD compares: South Asian, 0.0011%; no homozygotes.

Submission:

Ambry Genetics
Classification: Uncertain significance for Cardiovascular phenotype. Last evaluated: 2025-05-27. Review status: criteria provided, single submitter. Criteria: Ambry Variant Classification Scheme 2023. Collection method: clinical testing. Allele origin: germline.
Comment: The p.T220K variant (also known as c.659C>A), located in coding exon 6 of the APOB gene, results from a C to A substitution at nucleotide position 659. The threonine at codon 220 is replaced by lysine, an amino acid with similar properties. This amino acid position is conserved. In addition, this alteration is predicted to be tolerated by in silico analysis. Based on the available evidence, the clinical significance of this variant remains unclear.